The following is an entry in ClinVar:

NM_025081.3(NYNRIN):c.491G>A (p.Gly164Glu)

Gene: NYNRIN (NYN domain and retroviral integrase containing; plus strand). Cytogenetic location: 14q12.
Variant type: single nucleotide variant.
Coding change: c.491G>A on transcript NM_025081.3 (MANE Select); coding-DNA position 491, G replaced by A.
Protein change: p.Gly164Glu; replaces glycine 164 with glutamic acid.
Molecular consequence: missense variant.
Genome position (GRCh38, 1-based): chr14:24,408,161, G>A. VCF-style: chr14-24408161-G-A. GRCh37 (hg19) VCF-style: chr14-24877367-G-A.
Other names: short protein forms G164E.
Identifiers: ClinVar variation 3632742 (VCV003632742.2).

ClinVar aggregate classification (germline): Uncertain significance (1 of 4 stars; one submission).

gnomAD v4.1: 4 of 1,602,844 alleles (0.00025%); highest among the groups gnomAD compares: Non-Finnish European, 0.00034%; no homozygotes.

Submission:

Labcorp Genetics (formerly Invitae), Labcorp
Classification: Uncertain significance. Last evaluated: 2025-07-02. Review status: criteria provided, single submitter. Criteria: Invitae Variant Classification Sherloc (09022015). Collection method: clinical testing. Allele origin: germline.
Comment: This sequence change replaces glycine, which is neutral and non-polar, with glutamic acid, which is acidic and polar, at codon 164 of the NYNRIN protein (p.Gly164Glu). This variant is present in population databases (no rsID available, gnomAD 0.002%). This variant has not been reported in the literature in individuals affected with NYNRIN-related conditions. ClinVar contains an entry for this variant (Variation ID: 3632742). Experimental studies and prediction algorithms are not available or were not evaluated, and the functional significance of this variant is currently unknown. In summary, the available evidence is currently insufficient to determine the role of this variant in disease. Therefore, it has been classified as a Variant of Uncertain Significance.